The following is an entry in ClinVar:

NM_014991.6(WDFY3):c.654T>G (p.Ser218Arg)

Gene: WDFY3 (WD repeat and FYVE domain containing 3; minus strand). Cytogenetic location: 4q21.23.
Variant type: single nucleotide variant.
Coding change: c.654T>G on transcript NM_014991.6 (MANE Select); coding-DNA position 654, T replaced by G.
Protein change: p.Ser218Arg; replaces serine 218 with arginine.
Molecular consequence: missense variant.
Genome position (GRCh38, 1-based): chr4:84,831,528, A>C on the plus strand (T>G on the coding strand, the complement: WDFY3 is on the minus strand). VCF-style: chr4-84831528-A-C. GRCh37 (hg19) VCF-style: chr4-85752681-A-C.
Other names: short protein forms S218R.
Identifiers: ClinVar variation 4532465 (VCV004532465.1).

ClinVar aggregate classification (germline): Uncertain significance (1 of 4 stars; one submission).

Submission:

GeneDx
Classification: Uncertain significance. Last evaluated: 2025-05-27. Review status: criteria provided, single submitter. Criteria: GeneDx Variant Classification Process June 2021. Collection method: clinical testing. Allele origin: germline. Affected: yes.
Comment: Not observed at significant frequency in large population cohorts (gnomAD); In silico analysis supports that this missense variant has a deleterious effect on protein structure/function; Has not been previously published as pathogenic or benign to our knowledge